The following is an entry in ClinVar:

ClinVar aggregate classification (germline): Pathogenic (1 of 4 stars; one submission).

Conditions:
Hereditary spastic paraplegia 50 (SPG50). Also called: Spastic paraplegia 50, autosomal recessive. Identifiers: Orphanet 280763, MedGen C2752008, MONDO:0013048, OMIM 612936.

Allele frequency attached by ClinVar (database versions not stated): gnomAD exomes below 0.00001; ExAC 0.00001.
gnomAD v4.1: 1 of 1,614,176 alleles (0.000062%); highest among the groups gnomAD compares: Non-Finnish European, 0.000085%; no homozygotes.

Submission:

Labcorp Genetics (formerly Invitae), Labcorp
Classification: Pathogenic for Hereditary spastic paraplegia 50. Last evaluated: 2025-07-07. Review status: criteria provided, single submitter. Criteria: Invitae Variant Classification Sherloc (09022015). Collection method: clinical testing. Allele origin: germline.
Comment: This sequence change creates a premature translational stop signal (p.Gln135*) in the AP4M1 gene. It is expected to result in an absent or disrupted protein product. Loss-of-function variants in AP4M1 are known to be pathogenic (PMID: 24700674, 25496299, 25558065). This variant is present in population databases (rs751742955, gnomAD 0.0009%). This variant has not been reported in the literature in individuals affected with AP4M1-related conditions. ClinVar contains an entry for this variant (Variation ID: 3017395). For these reasons, this variant has been classified as Pathogenic.

Literature cited by the submitters: PubMed 24700674; PubMed 25496299; PubMed 25558065.

NM_004722.4(AP4M1):c.403C>T (p.Gln135Ter)

Gene: AP4M1 (adaptor related protein complex 4 subunit mu 1; plus strand). Cytogenetic location: 7q22.1.
Variant type: single nucleotide variant.
Coding change: c.403C>T on transcript NM_004722.4 (MANE Select); coding-DNA position 403, C replaced by T.
Protein change: p.Gln135Ter; replaces glutamine 135 with a stop codon.
Molecular consequence: nonsense.
Genome position (GRCh38, 1-based): chr7:100,103,460, C>T. VCF-style: chr7-100103460-C-T. GRCh37 (hg19) VCF-style: chr7-99701083-C-T.
Other names: c.424C>T, p.Gln142Ter (NM_001363671.2); short protein forms Q135*, Q142*.
Identifiers: ClinVar variation 3017395 (VCV003017395.3), dbSNP rs751742955, ClinGen allele CA4374609.